The following is an entry in ClinVar:

NM_000388.4(CASR):c.1223A>G (p.Tyr408Cys)

Gene: CASR (calcium sensing receptor; plus strand). Cytogenetic location: 3q21.1.
Variant type: single nucleotide variant.
Coding change: c.1223A>G on transcript NM_000388.4 (MANE Select); coding-DNA position 1223, A replaced by G.
Protein change: p.Tyr408Cys; replaces tyrosine 408 with cysteine.
Molecular consequence: missense variant.
Genome position (GRCh38, 1-based): chr3:122,262,258, A>G. VCF-style: chr3-122262258-A-G. GRCh37 (hg19) VCF-style: chr3-121981105-A-G.
Other names: c.1223A>G, p.Tyr408Cys (NM_001178065.2); short protein forms Y408C.
Identifiers: ClinVar variation 992218 (VCV000992218.1), dbSNP rs2074636776, ClinGen allele CA354152854.

ClinVar aggregate classification (germline): Uncertain significance (1 of 4 stars; one submission).

Submission:

Women's Health and Genetics/Laboratory Corporation of America, LabCorp
Classification: Uncertain significance. Last evaluated: 2020-12-30. Review status: criteria provided, single submitter. Criteria: LabCorp Variant Classification Summary - May 2015. Collection method: clinical testing. Allele origin: germline.
Comment: Variant summary: CASR c.1223A>G (p.Tyr408Cys) results in a non-conservative amino acid change located in the ligand binding region (IPR001828) of the encoded protein sequence. Five of five in-silico tools predict a damaging effect of the variant on protein function. The variant was absent in 251446 control chromosomes (gnomAD). The available data on variant occurrences in the general population are insufficient to allow any conclusion about variant significance. To our knowledge, no occurrence of c.1223A>G in individuals affected with Familial Hypocalciuric Hypercalcemia (or other CASR related disease phenotype), and no experimental evidence demonstrating its impact on protein function have been reported. No clinical diagnostic laboratories have submitted clinical-significance assessments for this variant to ClinVar after 2014. Based on the evidence outlined above, the variant was classified as uncertain significance.